The following is an entry in ClinVar:

ClinVar aggregate classification (germline): Pathogenic. Review status: criteria provided, multiple submitters, no conflicts (2 of 4 stars). 3 submissions from 3 submitters: Pathogenic (2). 1 of the submissions does not count toward it. Last evaluated 2023-05-11.
ClinVar aggregate classification (oncogenicity): Likely oncogenic (1 of 4 stars; one submission).

Conditions:
Familial adenomatous polyposis 1 (FAP1). Also called: FAMILIAL ADENOMATOUS POLYPOSIS 1, ATTENUATED; POLYPOSIS, ADENOMATOUS INTESTINAL. Identifiers: MedGen C2713442, MONDO:0021056, OMIM 175100. Disease mechanism: loss of function.
Neoplasm. Also called: tumor; Neoplasms; Neoplasm (disease). Identifiers: MedGen C0027651, MeSH D009369, MONDO:0005070, HP:0002664.

Submissions (4):

Center for Genomic Medicine, Rigshospitalet, Copenhagen University Hospital
Classification: Likely oncogenic for Neoplasm. Last evaluated: 2025-12-29. Review status: criteria provided, single submitter. Criteria: ClinGen/CGC/VICC Guidelines for Oncogenicity, 2022. Collection method: clinical testing. Allele origin: somatic. Affected: yes.

Myriad Genetics, Inc.
Classification: Pathogenic for Familial adenomatous polyposis 1. Last evaluated: 2023-05-11. Review status: criteria provided, single submitter. Criteria: Myriad Autosomal Dominant, Autosomal Recessive and X-Linked Classification Criteria (2023). Collection method: clinical testing. Allele origin: unknown.
Comment: This variant is considered pathogenic. This variant creates a frameshift predicted to result in premature protein truncation.

Labcorp Genetics (formerly Invitae), Labcorp
Classification: Pathogenic for Familial adenomatous polyposis 1. Last evaluated: 2022-06-26. Review status: criteria provided, single submitter. Criteria: Invitae Variant Classification Sherloc (09022015). Collection method: clinical testing. Allele origin: germline.
Comment: This variant is expected to disrupt the EB1 and HDLG binding sites, which mediate interactions with the cytoskeleton (PMID: 15311282, 17293347). While functional studies have not been performed to directly test the effect on APC protein function, this suggests that disruption of the C-terminal portion of the protein is functionally important. A different truncation (p.Tyr2645Lysfs*14) that lies downstream of this variant has been determined to be pathogenic (PMID: 9824584, 1316610, 27081525, 8381579, 22135120, Invitae). This suggests that deletion of this region of the APC protein is causative of disease. For these reasons, this variant has been classified as Pathogenic. ClinVar contains an entry for this variant (Variation ID: 156477). This premature translational stop signal has been observed in individual(s) with clinical features of APC-related conditions (PMID: 15095859). This variant is not present in population databases (gnomAD no frequency). This sequence change creates a premature translational stop signal (p.Thr1556Leufs*9) in the APC gene. While this is not anticipated to result in nonsense mediated decay, it is expected to disrupt the last 1288 amino acid(s) of the APC protein.

Pathway Genomics
Classification: Pathogenic for Adenomatous polyposis coli. Last evaluated: 2014-07-24. Review status: no assertion criteria provided. Collection method: clinical testing. Allele origin: germline. Not counted in ClinVar's aggregate classification.

Literature cited by the submitters: PubMed 34352208 (cited by Center for Genomic Medicine, Rigshospitalet, Copenhagen University Hospital); PubMed 15311282 (cited by Labcorp Genetics (formerly Invitae), Labcorp); PubMed 17293347 (cited by Labcorp Genetics (formerly Invitae), Labcorp); PubMed 9824584 (cited by Labcorp Genetics (formerly Invitae), Labcorp); PubMed 1316610 (cited by Labcorp Genetics (formerly Invitae), Labcorp); PubMed 27081525 (cited by Labcorp Genetics (formerly Invitae), Labcorp); PubMed 8381579 (cited by Labcorp Genetics (formerly Invitae), Labcorp); PubMed 22135120 (cited by Labcorp Genetics (formerly Invitae), Labcorp); PubMed 15095859 (cited by Labcorp Genetics (formerly Invitae), Labcorp and Pathway Genomics); PubMed 20223039 (cited by Pathway Genomics); PubMed 21476993 (cited by Pathway Genomics); PubMed 21779980 (cited by Pathway Genomics).

NM_000038.6(APC):c.4666del (p.Thr1556fs)

Gene: APC (APC regulator of Wnt signaling pathway; plus strand). Cytogenetic location: 5q22.2.
Variant type: Deletion.
Coding change: c.4666del on transcript NM_000038.6 (MANE Select); coding-DNA position 4666, one base deleted (A; older notation c.4666delA).
Protein change: p.Thr1556fs; shifts the reading frame from threonine 1556.
Molecular consequence: frameshift variant.
Genome position (GRCh38, 1-based): chr5:112,840,260, A deleted; the last of 6 consecutive A bases (chr5:112,840,255-112,840,260); deleting any one gives the same sequence. VCF-style (leftmost placement, unchanged base first): chr5-112840254-GA-G. GRCh37 (hg19) VCF-style: chr5-112175951-GA-G.
Other names: c.4666del, p.Thr1556fs (NM_001127510.3, NM_001354895.2); c.4612del, p.Thr1538fs (NM_001127511.3); c.4720del, p.Thr1574fs (NM_001354896.2); c.4696del, p.Thr1566fs (NM_001354897.2); c.4591del, p.Thr1531fs (NM_001354898.2); c.4582del, p.Thr1528fs (NM_001354899.2); c.4543del, p.Thr1515fs (NM_001354900.2); c.4489del, p.Thr1497fs (NM_001354901.2); and 6 more; short protein forms T1497fs, T1515fs, T1566fs, T1273fs, T1396fs, T1531fs, T1538fs, T1430fs.
Identifiers: ClinVar variation 156477 (VCV000156477.8), dbSNP rs587783031, ClinGen allele CA009675.